The following is an entry in ClinVar:

ClinVar aggregate classification (germline): Uncertain significance (1 of 4 stars; one submission).

Conditions:
Spermatogenic failure 45. Identifiers: MedGen C5436791, MONDO:0033671, OMIM 619094.

Submission:

Juno Genomics, Hangzhou Juno Genomics, Inc
Classification: Uncertain significance for Spermatogenic failure 45. Review status: criteria provided, single submitter. Criteria: ACMG Guidelines, 2015. Collection method: clinical testing. Allele origin: germline.
Comment: Absent from controls (or at extremely low frequency if recessive) in Genome Aggregation Database.

NM_020877.5(DNAH2):c.10003del (p.Gln3335fs)

Gene: DNAH2 (dynein axonemal heavy chain 2; plus strand). Cytogenetic location: 17p13.1.
Variant type: Deletion.
Coding change: c.10003del on transcript NM_020877.5 (MANE Select); coding-DNA position 10003, one base deleted (C; older notation c.10003delC).
Protein change: p.Gln3335fs; shifts the reading frame from glutamine 3335.
Molecular consequence: frameshift variant.
Genome position (GRCh38, 1-based): chr17:7,817,398, C deleted; the last of 2 consecutive C bases (chr17:7,817,397-7,817,398); deleting either gives the same sequence. VCF-style (leftmost placement, unchanged base first): chr17-7817396-AC-A. GRCh37 (hg19) VCF-style: chr17-7720714-AC-A.
Other names: short protein forms Q3335fs.
Identifiers: ClinVar variation 5018535 (VCV005018535.2).